The following is an entry in ClinVar:

NM_000053.4(ATP7B):c.2501T>A (p.Val834Asp)

Gene: ATP7B (ATPase copper transporting beta; minus strand). Cytogenetic location: 13q14.3.
Variant type: single nucleotide variant.
Coding change: c.2501T>A on transcript NM_000053.4 (MANE Select); coding-DNA position 2501, T replaced by A.
Protein change: p.Val834Asp; replaces valine 834 with aspartic acid.
Molecular consequence: missense variant. On other transcripts: intron variant (1).
Genome position (GRCh38, 1-based): chr13:51,950,346, A>T on the plus strand (T>A on the coding strand, the complement: ATP7B is on the minus strand). VCF-style: chr13-51950346-A-T. GRCh37 (hg19) VCF-style: chr13-52524482-A-T.
Other names: p.Val834Asp; c.2015T>A, p.Val672Asp (NM_001005918.3, NM_001406541.1, NM_001406542.1 and 1 more transcripts); c.2168T>A, p.Val723Asp (NM_001243182.2); c.2267T>A, p.Val756Asp (NM_001330578.2, NM_001406538.1, NM_001406527.1 and 2 more transcripts); c.2249T>A, p.Val750Asp (NM_001330579.2, NM_001406540.1, NM_001406531.1 and 1 more transcripts); c.2501T>A, p.Val834Asp (NM_001406511.1, NM_001406512.1, NM_001406513.1 and 7 more transcripts); c.2468T>A, p.Val823Asp (NM_001406514.1); c.2405T>A, p.Val802Asp (NM_001406517.1, NM_001406518.1); and 9 more; short protein forms V618D, V640D, V672D, V691D, V718D, V723D, V724D, V750D.
Identifiers: ClinVar variation 2683231 (VCV002683231.3), dbSNP rs2547673978, ClinGen allele CA388016477.
Genomic context (GRCh38, chr13:51,950,346, plus strand): 5'-TCATCAGCCATGGTATTGCCTTCCAGGACTTTCCCATCCACTGGAAACTTTCCCCCAGGG[A>T]CCACCTTGACGATATCGCCCCGCTGCACCAGCTCCATGGGGACTTGCTCCTCCCTGCAAC-3'
Protein context (NP_000044.2, residues 824-844): LVQRGDIVKV[Val834Asp]PGGKFPVDGK

ClinVar aggregate classification (germline): Uncertain significance. Review status: criteria provided, multiple submitters, no conflicts (2 of 4 stars). 3 submissions from 3 submitters: Uncertain significance (3). Last evaluated 2023-11-20.

Conditions:
Wilson disease (WND). Also called: Wilson's disease. Identifiers: Orphanet 905, MedGen C0019202, MONDO:0010200, OMIM 277900. Disease mechanism: loss of function.

Submissions (3):

All of Us Research Program, National Institutes of Health
Classification: Uncertain significance for Wilson disease. Last evaluated: 2023-11-20. Review status: criteria provided, single submitter. Criteria: ACMG Guidelines, 2015. Collection method: clinical testing. Allele origin: germline. Inheritance: Autosomal recessive inheritance. Observed: 1 variant allele, 1 heterozygote.
Comment: This missense variant replaces valine with aspartic acid at codon 834 of the ATP7B protein. Computational prediction suggests that this variant may have deleterious impact on protein structure and function (internally defined REVEL score threshold >= 0.7, PMID: 27666373). This variant alters a conserved valine residue in the actuator domain of the ATP7B protein (a.a. 786 - 917), a highly conserved region that is considered to be important for ATP7B protein function (PMID: 35245129; ClinVar). To our knowledge, functional studies have not been reported for this variant. This variant has been reported in at least one individual affected with Wilson disease (PMID: 36360177). This variant has not been identified in the general population by the Genome Aggregation Database (gnomAD). The available evidence is insufficient to determine the role of this variant in disease conclusively. Therefore, this variant is classified as a Variant of Uncertain Significance.

This study involves interpretation of variants in research participants for the purpose of population health screening. Participant phenotype was not available at the time of variant classification. Additional details can be found in publication PMID: 35346344, PMCID: PMC8962531

Color Diagnostics, LLC DBA Color Health
Classification: Uncertain significance for Wilson disease. Last evaluated: 2023-10-27. Review status: criteria provided, single submitter. Criteria: ACMG Guidelines, 2015. Collection method: clinical testing. Allele origin: germline.
Comment: This missense variant replaces valine with aspartic acid at codon 834 of the ATP7B protein. Computational prediction suggests that this variant may have deleterious impact on protein structure and function. This variant alters a conserved valine residue in the actuator domain of the ATP7B protein (a.a. 786 - 917), a highly conserved region that is considered to be important for ATP7B protein function (PMID: 35245129ClinVar). To our knowledge, functional studies have not been reported for this variant. This variant has been reported in at least one individual affected with Wilson disease (PMID: 36360177). This variant has not been identified in the general population by the Genome Aggregation Database (gnomAD). The available evidence is insufficient to determine the role of this variant in disease conclusively. Therefore, this variant is classified as a Variant of Uncertain Significance.

Mayo Clinic Laboratories, Mayo Clinic
Classification: Uncertain significance. Last evaluated: 2022-11-28. Review status: criteria provided, single submitter. Criteria: ACMG Guidelines, 2015. Collection method: clinical testing. Allele origin: germline. Observed: 1 variant allele.
Comment: PP3, PM2

Literature cited by the submitters: PubMed 35245129 (cited by All of Us Research Program, National Institutes of Health and Color Diagnostics, LLC DBA Color Health); PubMed 36360177 (cited by 3 submitters).